The following is an entry in ClinVar:

ClinVar aggregate classification (germline): Uncertain significance. Review status: criteria provided, multiple submitters, no conflicts (2 of 4 stars). 2 submissions from 2 submitters: Uncertain significance (2). Last evaluated 2025-05-11.

Conditions:
Catecholaminergic polymorphic ventricular tachycardia 1. Also called: RYR2-Related Catecholaminergic Polymorphic Ventricular Tachycardia; VENTRICULAR TACHYCARDIA, CATECHOLAMINERGIC POLYMORPHIC, 1, WITH OR WITHOUT ATRIAL DYSFUNCTION AND/OR DILATED CARDIOMYOPATHY; VENTRICULAR TACHYCARDIA, STRESS-INDUCED POLYMORPHIC 1. Identifiers: Orphanet 3286, MedGen C1631597, MONDO:0011484, OMIM 604772.
Cardiovascular phenotype. Identifiers: MedGen CN230736.

Allele frequency attached by ClinVar (database versions not stated): gnomAD exomes below 0.00001; ExAC 0.00001.
gnomAD v4.1: 1 of 1,614,060 alleles (0.000062%); highest among the groups gnomAD compares: East Asian, 0.0022%; no homozygotes.

Submissions (2):

Labcorp Genetics (formerly Invitae), Labcorp
Classification: Uncertain significance for Catecholaminergic polymorphic ventricular tachycardia 1. Last evaluated: 2025-05-11. Review status: criteria provided, single submitter. Criteria: Invitae Variant Classification Sherloc (09022015). Collection method: clinical testing. Allele origin: germline.
Comment: This sequence change replaces histidine, which is basic and polar, with arginine, which is basic and polar, at codon 1805 of the RYR2 protein (p.His1805Arg). This variant is present in population databases (rs759774382, gnomAD 0.006%). This variant has not been reported in the literature in individuals affected with RYR2-related conditions. ClinVar contains an entry for this variant (Variation ID: 572010). Invitae Evidence Modeling of protein sequence and biophysical properties (such as structural, functional, and spatial information, amino acid conservation, physicochemical variation, residue mobility, and thermodynamic stability) indicates that this missense variant is not expected to disrupt RYR2 protein function with a negative predictive value of 95%. In summary, the available evidence is currently insufficient to determine the role of this variant in disease. Therefore, it has been classified as a Variant of Uncertain Significance.

Ambry Genetics
Classification: Uncertain significance for Cardiovascular phenotype. Last evaluated: 2023-06-10. Review status: criteria provided, single submitter. Criteria: Ambry Variant Classification Scheme 2023. Collection method: clinical testing. Allele origin: germline.
Comment: The p.H1805R variant (also known as c.5414A>G), located in coding exon 37 of the RYR2 gene, results from an A to G substitution at nucleotide position 5414. The histidine at codon 1805 is replaced by arginine, an amino acid with highly similar properties. This amino acid position is well conserved in available vertebrate species. In addition, this alteration is predicted to be tolerated by in silico analysis. Since supporting evidence is limited at this time, the clinical significance of this alteration remains unclear.

NM_001035.3(RYR2):c.5414A>G (p.His1805Arg)

Gene: RYR2 (ryanodine receptor 2; plus strand). Cytogenetic location: 1q43.
Variant type: single nucleotide variant.
Coding change: c.5414A>G on transcript NM_001035.3 (MANE Select); coding-DNA position 5414, A replaced by G.
Protein change: p.His1805Arg; replaces histidine 1805 with arginine.
Molecular consequence: missense variant.
Genome position (GRCh38, 1-based): chr1:237,614,542, A>G. VCF-style: chr1-237614542-A-G. GRCh37 (hg19) VCF-style: chr1-237777842-A-G.
Other names: c.5414A>G, p.His1805Arg (LRG_402t1); short protein forms H1805R.
Identifiers: ClinVar variation 572010 (VCV000572010.13), dbSNP rs759774382, ClinGen allele CA086884.